The following is an entry in ClinVar:

NM_001898.3(CST1):c.27G>A (p.Leu9=)

Gene: CST1 (cystatin SN; minus strand). Cytogenetic location: 20p11.21.
Variant type: single nucleotide variant.
Coding change: c.27G>A on transcript NM_001898.3 (MANE Select); coding-DNA position 27, G replaced by A.
Protein change: p.Leu9=; no amino-acid change (leucine 9 retained).
Molecular consequence: synonymous variant.
Genome position (GRCh38, 1-based): chr20:23,750,840, C>T on the plus strand (G>A on the coding strand, the complement: CST1 is on the minus strand). VCF-style: chr20-23750840-C-T. GRCh37 (hg19) VCF-style: chr20-23731477-C-T.
Identifiers: ClinVar variation 3025024 (VCV003025024.22), dbSNP rs144543419, ClinGen allele CA9790846.

ClinVar aggregate classification (germline): Likely benign (1 of 4 stars; one submission).

Allele frequency attached by ClinVar (database versions not stated): gnomAD exomes 0.00057; ESP Exome Variant Server 0.00062; 1000 Genomes Project 30x 0.00078; 1000 Genomes Project 0.00080; ExAC 0.00088.

Submission:

CeGaT Center for Human Genetics Tuebingen
Classification: Likely benign. Last evaluated: 2026-04-01. Review status: criteria provided, single submitter. Criteria: CeGaT Center For Human Genetics Tuebingen Variant Classification Criteria Version 2. Collection method: clinical testing. Allele origin: germline. Affected: yes. Observed: 2 variant alleles.
Comment: CST1: BP4, BP7